The following is an entry in ClinVar:

ClinVar aggregate classification (germline): Likely benign. Review status: criteria provided, multiple submitters, no conflicts (2 of 4 stars). 3 submissions from 3 submitters: Likely benign (3). Last evaluated 2025-07-04.

Conditions:
Congenital myotonia, autosomal dominant form (THD). Also called: THOMSEN DISEASE; Myotonia congenita autosomal dominant. Identifiers: Orphanet 614, MedGen C2936781, MONDO:0008055, OMIM 160800.
Congenital myotonia, autosomal recessive form. Also called: myotonia congenita, autosomal recessive; Becker Generalized Myotonia; BECKER DISEASE. Identifiers: Orphanet 614, MedGen C0751360, MONDO:0009715, OMIM 255700.

Allele frequency attached by ClinVar (database versions not stated): gnomAD 0.00001; gnomAD exomes 0.00001; TOPMed 0.00002.
gnomAD v4.1: 16 of 1,546,156 alleles (0.001%); highest among the groups gnomAD compares: Middle Eastern, 0.019%; no homozygotes.

Submissions (3):

Labcorp Genetics (formerly Invitae), Labcorp
Classification: Likely benign for Congenital myotonia, autosomal recessive form; Congenital myotonia, autosomal dominant form. Last evaluated: 2025-07-04. Review status: criteria provided, single submitter. Criteria: Invitae Variant Classification Sherloc (09022015). Collection method: clinical testing. Allele origin: germline.

Blueprint Genetics
Classification: Likely benign. Last evaluated: 2020-12-31. Review status: criteria provided, single submitter. Criteria: ACMG Guidelines, 2015. Collection method: clinical testing. Allele origin: germline.

GeneDx
Classification: Likely benign. Last evaluated: 2016-06-17. Review status: criteria provided, single submitter. Criteria: GeneDx Variant Classification (06012015). Collection method: clinical testing. Allele origin: germline. Affected: yes.
Comment: This variant is considered likely benign or benign based on one or more of the following criteria: it is a conservative change, it occurs at a poorly conserved position in the protein, it is predicted to be benign by multiple in silico algorithms, and/or has population frequency not consistent with disease.

NM_000083.3(CLCN1):c.1977C>A (p.Ala659=)

Genes: CLCN1 (chloride voltage-gated channel 1; plus strand), LOC123956257 (Sharpr-MPRA regulatory region 4117; plus strand). Cytogenetic location: 7q34.
Variant type: single nucleotide variant.
Coding change: c.1977C>A on transcript NM_000083.3 (MANE Select); coding-DNA position 1977, C replaced by A.
Protein change: p.Ala659=; no amino-acid change (alanine 659 retained).
Molecular consequence: synonymous variant. On other transcripts: non-coding transcript variant (1).
Genome position (GRCh38, 1-based): chr7:143,345,567, C>A. VCF-style: chr7-143345567-C-A. GRCh37 (hg19) VCF-style: chr7-143042660-C-A.
Identifiers: ClinVar variation 386578 (VCV000386578.12), dbSNP rs904572417, ClinGen allele CA16605244.
Genomic context (GRCh38, chr7:143,345,567, plus strand): 5'-TGGGTTTCCCTCAGATTCAATGATCCTGCTGGGCTCGGTGGAGCGGTCGGAACTGCAGGC[C>A]CTCCTGCAGCGCCACCTGTGTCCTGAGCGCAGGCTGCGCGCAGCCCAAGAGATGGCGCGG-3'
Protein context (NP_000074.3, residues 649-669): LGSVERSELQ[Ala659=]LLQRHLCPER